The following is an entry in ClinVar:

ClinVar aggregate classification (germline): Uncertain significance. Review status: criteria provided, multiple submitters, no conflicts (2 of 4 stars). 7 submissions from 7 submitters: Uncertain significance (6). 1 of the submissions does not count toward it. Last evaluated 2026-01-14.

Conditions:
Hereditary cancer-predisposing syndrome. Also called: Neoplastic Syndromes, Hereditary; Hereditary neoplastic syndrome; Tumor predisposition; Hereditary Cancer Syndrome. Identifiers: Orphanet 140162, MedGen C0027672, MeSH D009386, MONDO:0015356.
Familial cancer of breast. Also called: hereditary breast carcinoma; Hereditary breast cancer; BREAST CANCER, FAMILIAL. Identifiers: Orphanet 227535, MedGen C0346153, MONDO:0016419, OMIM 114480. Disease mechanism: loss of function.
Ataxia-telangiectasia syndrome (AT). Also called: Ataxia telangiectasia (A-T); Cerebello-oculocutaneous telangiectasia; Immunodeficiency with ataxia telangiectasia; LOUIS-BAR SYNDROME; AT, COMPLEMENTATION GROUP C; ATAXIA-TELANGIECTASIA, FRESNO VARIANT. Identifiers: Orphanet 100, MedGen C0004135, MONDO:0008840, OMIM 208900.

Allele frequency attached by ClinVar (database versions not stated): gnomAD exomes 0.00001; TOPMed 0.00002; gnomAD 0.00001.
gnomAD v4.1: 14 of 1,613,252 alleles (0.00087%); highest among the groups gnomAD compares: Non-Finnish European, 0.0012%; no homozygotes.

Submissions (7):

Labcorp Genetics (formerly Invitae), Labcorp
Classification: Uncertain significance for Ataxia-telangiectasia syndrome. Last evaluated: 2026-01-14. Review status: criteria provided, single submitter. Criteria: Invitae Variant Classification Sherloc (09022015). Collection method: clinical testing. Allele origin: germline.
Comment: This sequence change replaces lysine, which is basic and polar, with glutamic acid, which is acidic and polar, at codon 2431 of the ATM protein (p.Lys2431Glu). This variant is not present in population databases (gnomAD no frequency). This missense change has been observed in individual(s) with breast cancer (PMID: 12935922). ClinVar contains an entry for this variant (Variation ID: 220522). Invitae Evidence Modeling of protein sequence and biophysical properties (such as structural, functional, and spatial information, amino acid conservation, physicochemical variation, residue mobility, and thermodynamic stability) indicates that this missense variant is not expected to disrupt ATM protein function with a negative predictive value of 95%. In summary, the available evidence is currently insufficient to determine the role of this variant in disease. Therefore, it has been classified as a Variant of Uncertain Significance.

Ambry Genetics
Classification: Uncertain significance for Hereditary cancer-predisposing syndrome. Last evaluated: 2025-11-17. Review status: criteria provided, single submitter. Criteria: Ambry Variant Classification Scheme 2023. Collection method: clinical testing. Allele origin: germline.
Comment: The p.K2431E variant (also known as c.7291A>G), located in coding exon 48 of the ATM gene, results from an A to G substitution at nucleotide position 7291. The lysine at codon 2431 is replaced by glutamic acid, an amino acid with similar properties. This amino acid position is not well conserved in available vertebrate species. In addition, the in silico prediction for this alteration is inconclusive. Based on the available evidence, the clinical significance of this variant remains unclear.

Color Diagnostics, LLC DBA Color Health
Classification: Uncertain significance for Hereditary cancer-predisposing syndrome. Last evaluated: 2025-11-13. Review status: criteria provided, single submitter. Criteria: ACMG Guidelines, 2015. Collection method: clinical testing. Allele origin: germline.
Comment: This missense variant replaces lysine with glutamic acid at codon 2431 of the ATM protein. Computational prediction is inconclusive regarding the impact of this variant on protein structure and function. A high throughput study showed that this variant did not impact function (PMID: 40105422). This variant has been reported in individuals affected with breast cancer (PMID: 12935922, 19781682, 25186627, 28779002). This variant has not been identified in the general population by the Genome Aggregation Database (gnomAD). The available evidence is insufficient to determine the role of this variant in disease conclusively. Therefore, this variant is classified as a Variant of Uncertain Significance.

Catlab - Consorci Sanitari de Terrassa
Classification: Uncertain significance for Hereditary cancer-predisposing syndrome. Last evaluated: 2025-07-03. Review status: criteria provided, single submitter. Criteria: ClinGen HBOP ACMG Specifications ATM Version1_3. Collection method: clinical testing. Allele origin: germline.
Comment: Based on the currently available information, this variant is classified as Variant of Uncertain Significance according to ClinGen-ATM v1.3.0 guidelines. ACMG criteria: No applicable criteria.

Baylor Genetics
Classification: Uncertain significance for Familial cancer of breast. Last evaluated: 2023-07-31. Review status: criteria provided, single submitter. Criteria: ACMG Guidelines, 2015. Collection method: clinical testing. Allele origin: unknown.

GeneDx
Classification: Uncertain significance. Last evaluated: 2022-09-15. Review status: criteria provided, single submitter. Criteria: GeneDx Variant Classification Process June 2021. Collection method: clinical testing. Allele origin: germline. Affected: yes.
Comment: Not observed at significant frequency in large population cohorts (gnomAD); In silico analysis supports that this missense variant does not alter protein structure/function; Observed in individuals with a personal or family history including breast and other cancers (Sommer et al., 2003; Tavtigian et al., 2009; Tung et al., 2015; Decker et al., 2017); This variant is associated with the following publications: (PMID: 25186627, 28779002, 12935922, 19781682, 23532176)

Counsyl
Classification: Uncertain significance for Ataxia-telangiectasia syndrome. Last evaluated: 2017-06-23. Review status: no assertion criteria provided. Collection method: clinical testing. Allele origin: unknown. Not counted in ClinVar's aggregate classification.

Literature cited by the submitters: PubMed 12935922 (cited by 4 submitters); PubMed 19781682 (cited by 3 submitters); PubMed 25186627 (cited by Ambry Genetics and Color Diagnostics, LLC DBA Color Health); PubMed 28779002 (cited by Ambry Genetics and Color Diagnostics, LLC DBA Color Health); PubMed 30197789 (cited by Ambry Genetics); PubMed 40105422 (cited by Color Diagnostics, LLC DBA Color Health).

NM_000051.4(ATM):c.7291A>G (p.Lys2431Glu)

Genes: ATM (ATM serine/threonine kinase; plus strand), C11orf65 (chromosome 11 open reading frame 65; minus strand). Cytogenetic location: 11q22.3.
Variant type: single nucleotide variant.
Coding change: c.7291A>G on transcript NM_000051.4 (MANE Select); coding-DNA position 7291, A replaced by G.
Protein change: p.Lys2431Glu; replaces lysine 2431 with glutamic acid.
Molecular consequence: missense variant. On other transcripts: intron variant (2).
Genome position (GRCh38, 1-based): chr11:108,329,222, A>G. VCF-style: chr11-108329222-A-G. GRCh37 (hg19) VCF-style: chr11-108199949-A-G.
Other names: c.7291A>G, p.Lys2431Glu (NM_001351834.2); c.641-20151T>C (NM_001330368.2); c.*38+5998T>C (NM_001351110.2); short protein forms K2431E.
Identifiers: ClinVar variation 220522 (VCV000220522.62), dbSNP rs864622563, ClinGen allele CA348761.